The following is an entry in ClinVar:

NM_153704.6(TMEM67):c.1066-239C>T

Gene: TMEM67 (transmembrane protein 67; plus strand). Cytogenetic location: 8q22.1.
Variant type: single nucleotide variant.
Coding change: c.1066-239C>T on transcript NM_153704.6 (MANE Select); 239 bases into the intron before coding-DNA position 1066, C replaced by T.
Molecular consequence: intron variant.
Genome position (GRCh38, 1-based): chr8:93,782,156, C>T. VCF-style: chr8-93782156-C-T. GRCh37 (hg19) VCF-style: chr8-94794384-C-T.
Other names: c.823-239C>T (NM_001142301.1).
Identifiers: ClinVar variation 672289 (VCV000672289.1), dbSNP rs79121614, ClinGen allele CA12842883.

ClinVar aggregate classification (germline): Likely benign (1 of 4 stars; one submission).

Allele frequency attached by ClinVar (database versions not stated): 1000 Genomes Project 30x 0.01718; 1000 Genomes Project 0.01757; TOPMed 0.02786; gnomAD 0.03027 and 0.03090.
gnomAD v4.1: 4,656 of 152,184 alleles (3.1%); highest among the groups gnomAD compares: Non-Finnish European, 4.9%; 102 homozygotes.

Submission:

GeneDx
Classification: Likely benign. Last evaluated: 2018-06-16. Review status: criteria provided, single submitter. Criteria: GeneDx Variant Classification (06012015). Collection method: clinical testing. Allele origin: germline. Affected: yes.
Comment: This variant is considered likely benign or benign based on one or more of the following criteria: it is a conservative change, it occurs at a poorly conserved position in the protein, it is predicted to be benign by multiple in silico algorithms, and/or has population frequency not consistent with disease.